The following is an entry in ClinVar:

ClinVar aggregate classification (germline): Likely benign. Review status: criteria provided, multiple submitters, no conflicts (2 of 4 stars). 2 submissions from 2 submitters: Likely benign (2). Last evaluated 2025-12-22.

Allele frequency attached by ClinVar (database versions not stated): TOPMed 0.00003; ExAC below 0.00001; gnomAD 0.00004 and 0.00003; gnomAD exomes 0.00004 and 0.00005.
gnomAD v4.1: 79 of 1,563,782 alleles (0.0051%); highest among the groups gnomAD compares: Admixed American, 0.017%; no homozygotes.

Submissions (2):

Labcorp Genetics (formerly Invitae), Labcorp
Classification: Likely benign. Last evaluated: 2025-12-22. Review status: criteria provided, single submitter. Criteria: Invitae Variant Classification Sherloc (09022015). Collection method: clinical testing. Allele origin: germline.

Laboratory for Molecular Medicine, Mass General Brigham Personalized Medicine
Classification: Likely benign. Last evaluated: 2016-03-31. Review status: criteria provided, single submitter. Criteria: LMM Criteria. Collection method: clinical testing. Allele origin: germline. Observed: 1 variant allele.
Comment: c.1057+15G>A in intron 8 of ESRRB: This variant is not expected to have clinical significance because it is not located within the splice consensus sequence.

NM_001379180.1(ESRRB):c.1120+15G>A

Gene: ESRRB (estrogen related receptor beta; plus strand). Cytogenetic location: 14q24.3.
Variant type: single nucleotide variant.
Coding change: c.1120+15G>A on transcript NM_001379180.1 (MANE Select); 15 bases into the intron after coding-DNA position 1120, G replaced by A.
Molecular consequence: intron variant.
Genome position (GRCh38, 1-based): chr14:76,491,731, G>A. VCF-style: chr14-76491731-G-A. GRCh37 (hg19) VCF-style: chr14-76958074-G-A.
Other names: c.1057+15G>A (NM_004452.4).
Identifiers: ClinVar variation 227363 (VCV000227363.7), dbSNP rs754237725, ClinGen allele CA7281765.
Genomic context (GRCh38, chr14:76,491,731, plus strand): 5'-AAGGAGGAGTTTGTGACGCTCAAGGCCCTGGCCCTCGCCAACTCCGGTAAGGGCGGCGGC[G>A]GGGCCTGGAAGGGGAGCTTCTAGGGCTCTGCATGGGCCTAATGAGCCCATCCCTGGGGCC-3'